The following is an entry in ClinVar:

NM_001352754.2(ARMC9):c.537G>C (p.Leu179Phe)

Gene: ARMC9 (armadillo repeat containing 9; plus strand). Cytogenetic location: 2q37.1.
Variant type: single nucleotide variant.
Coding change: c.537G>C on transcript NM_001352754.2 (MANE Select); coding-DNA position 537, G replaced by C.
Protein change: p.Leu179Phe; replaces leucine 179 with phenylalanine.
Molecular consequence: missense variant. On other transcripts: non-coding transcript variant (1).
Genome position (GRCh38, 1-based): chr2:231,222,760, G>C. VCF-style: chr2-231222760-G-C. GRCh37 (hg19) VCF-style: chr2-232087473-G-C.
Other names: c.537G>C, p.Leu179Phe (NM_001271466.4, NM_001291656.2, NM_001352755.2 and 5 more transcripts); short protein forms L179F.
Identifiers: ClinVar variation 1045001 (VCV001045001.6), dbSNP rs951972543, ClinGen allele CA66822710.

ClinVar aggregate classification (germline): Uncertain significance (1 of 4 stars; one submission).

Allele frequency attached by ClinVar (database versions not stated): TOPMed 0.00011.

Submission:

Labcorp Genetics (formerly Invitae), Labcorp
Classification: Uncertain significance. Last evaluated: 2022-08-18. Review status: criteria provided, single submitter. Criteria: Invitae Variant Classification Sherloc (09022015). Collection method: clinical testing. Allele origin: germline.
Comment: This sequence change replaces leucine, which is neutral and non-polar, with phenylalanine, which is neutral and non-polar, at codon 179 of the ARMC9 protein (p.Leu179Phe). This variant is not present in population databases (gnomAD no frequency). This variant has not been reported in the literature in individuals affected with ARMC9-related conditions. ClinVar contains an entry for this variant (Variation ID: 1045001). Experimental studies and prediction algorithms are not available or were not evaluated, and the functional significance of this variant is currently unknown. In summary, the available evidence is currently insufficient to determine the role of this variant in disease. Therefore, it has been classified as a Variant of Uncertain Significance.